The following is an entry in ClinVar:

ClinVar aggregate classification (germline): Uncertain significance (1 of 4 stars; one submission).

Submission:

GeneDx
Classification: Uncertain significance. Last evaluated: 2023-01-25. Review status: criteria provided, single submitter. Criteria: GeneDx Variant Classification Process June 2021. Collection method: clinical testing. Allele origin: germline. Affected: yes.
Comment: Not observed at significant frequency in large population cohorts (gnomAD); In silico analysis supports that this missense variant has a deleterious effect on protein structure/function; Has not been previously published as pathogenic or benign to our knowledge

NM_138576.4(BCL11B):c.1370G>T (p.Cys457Phe)

Gene: BCL11B (BCL11 transcription factor B; minus strand). Cytogenetic location: 14q32.2.
Variant type: single nucleotide variant.
Coding change: c.1370G>T on transcript NM_138576.4 (MANE Select); coding-DNA position 1370, G replaced by T.
Protein change: p.Cys457Phe; replaces cysteine 457 with phenylalanine.
Molecular consequence: missense variant.
Genome position (GRCh38, 1-based): chr14:99,175,466, C>A on the plus strand (G>T on the coding strand, the complement: BCL11B is on the minus strand). VCF-style: chr14-99175466-C-A. GRCh37 (hg19) VCF-style: chr14-99641803-C-A.
Other names: c.1367G>T, p.Cys456Phe (NM_001282237.2); c.1154G>T, p.Cys385Phe (NM_001282238.2); c.1157G>T, p.Cys386Phe (NM_022898.3); short protein forms C385F, C386F, C456F, C457F.
Identifiers: ClinVar variation 2574325 (VCV002574325.1), dbSNP rs2503646804, ClinGen allele CA390935529.